The following is an entry in ClinVar:

NM_005797.4(MPZL2):c.341A>C (p.Gln114Pro)

Gene: MPZL2 (myelin protein zero like 2; minus strand). Cytogenetic location: 11q23.3.
Variant type: single nucleotide variant.
Coding change: c.341A>C on transcript NM_005797.4 (MANE Select); coding-DNA position 341, A replaced by C.
Protein change: p.Gln114Pro; replaces glutamine 114 with proline.
Molecular consequence: missense variant.
Genome position (GRCh38, 1-based): chr11:118,262,533, T>G on the plus strand (A>C on the coding strand, the complement: MPZL2 is on the minus strand). VCF-style: chr11-118262533-T-G. GRCh37 (hg19) VCF-style: chr11-118133248-T-G.
Other names: c.341A>C, p.Gln114Pro (NM_144765.3); short protein forms Q114P.
Identifiers: ClinVar variation 3912809 (VCV003912809.1).

ClinVar aggregate classification (germline): Uncertain significance (1 of 4 stars; one submission).

Conditions:
Inborn genetic diseases. Identifiers: MedGen C0950123, MeSH D030342.

Submission:

Ambry Genetics
Classification: Uncertain significance for Inborn genetic diseases. Last evaluated: 2025-04-11. Review status: criteria provided, single submitter. Criteria: Ambry Variant Classification Scheme 2023. Collection method: clinical testing. Allele origin: germline.
Comment: The c.341A>C (p.Q114P) alteration is located in exon 3 (coding exon 3) of the MPZL2 gene. This alteration results from a A to C substitution at nucleotide position 341, causing the glutamine (Q) at amino acid position 114 to be replaced by a proline (P). Based on data from gnomAD, the C allele has an overall frequency of <0.001% (1/251352) total alleles studied. The highest observed frequency was 0.001% (1/113652) of European (non-Finnish) alleles. This amino acid position is not well conserved in available vertebrate species. The in silico prediction for this alteration is inconclusive. Based on insufficient or conflicting evidence, the clinical significance of this alteration remains unclear.